The following is an entry in ClinVar:

ClinVar aggregate classification (germline): Likely pathogenic (1 of 4 stars; one submission).

Conditions:
Familial dysautonomia. Also called: HSAN III; FD. Identifiers: Orphanet 1764, MedGen C0013364, MONDO:0009131, OMIM 223900. Disease mechanism: loss of function.

Submission:

Myriad Genetics, Inc.
Classification: Likely pathogenic for Familial dysautonomia. Last evaluated: 2022-03-30. Review status: criteria provided, single submitter. Criteria: Myriad Women's Health Autosomal Recessive and X-Linked Classification Criteria (2021). Collection method: clinical testing. Allele origin: unknown.
Comment: NM_003640.3(ELP1):c.574delG(D192Mfs*18) is expected to be pathogenic in the context of familial dysautonomia. This variant is predicted to lead to an abnormal or absent protein product due to the creation of a premature termination codon in ELP1, a gene where loss-of-function variants are known to be pathogenic. Please note: this variant was assessed in the context of healthy population screening.

NM_003640.5(ELP1):c.574del (p.Asp192fs)

Gene: ELP1 (elongator acetyltransferase complex subunit 1; minus strand). Cytogenetic location: 9q31.3.
Variant type: Deletion.
Coding change: c.574del on transcript NM_003640.5 (MANE Select); coding-DNA position 574, one base deleted (G; older notation c.574delG).
Protein change: p.Asp192fs; shifts the reading frame from aspartic acid 192.
Molecular consequence: frameshift variant. On other transcripts: intron variant (1).
Genome position (GRCh38, 1-based): chr9:108,919,328, C deleted on the plus strand (G on the coding strand, the reverse complement: ELP1 is on the minus strand); the first of 3 consecutive C bases (chr9:108,919,328-108,919,330); deleting any one gives the same sequence. VCF-style (leftmost placement, unchanged base first): chr9-108919327-TC-T. GRCh37 (hg19) VCF-style: chr9-111681607-TC-T.
Other names: c.232del, p.Asp78fs (NM_001318360.2); c.-307-1658del (NM_001330749.2); short protein forms D192fs, D78fs.
Identifiers: ClinVar variation 1725654 (VCV001725654.2), dbSNP rs2537943670, ClinGen allele CA2580079517.